The following is an entry in ClinVar:

NM_015915.5(ATL1):c.56_57del (p.Thr18_Tyr19insTer)

Gene: ATL1 (atlastin GTPase 1; plus strand). Cytogenetic location: 14q22.1.
Variant type: Microsatellite.
Coding change: c.56_57del on transcript NM_015915.5 (MANE Select); coding-DNA positions 56 to 57, 2 bases deleted (AT; older notation c.56_57delAT).
Protein change: p.Thr18_Tyr19insTer.
Molecular consequence: nonsense.
Genome position (GRCh38, 1-based): chr14:50,587,852-50,587,853, AT deleted; deleting any 2 consecutive bases within chr14:50,587,850-50,587,853 gives the same sequence; the c. name uses the placement nearest the transcript's 3' end. VCF-style (leftmost placement, unchanged base first): chr14-50587849-CAT-C. GRCh37 (hg19) VCF-style: chr14-51054567-CAT-C.
Other names: c.56_57del, p.Thr18_Tyr19insTer (NM_001127713.1, NM_181598.4).
Identifiers: ClinVar variation 3606208 (VCV003606208.2).

ClinVar aggregate classification (germline): Pathogenic (1 of 4 stars; one submission).

Conditions:
Hereditary spastic paraplegia 3A (SPG3A). Also called: Spastic paraplegia 3A, autosomal dominant; SPASTIC PARAPLEGIA 3, AUTOSOMAL DOMINANT; FAMILIAL SPASTIC PARAPLEGIA, AUTOSOMAL DOMINANT, 1; SPG3; STRUMPELL DISEASE; Spastic Paraplegia 3A. Identifiers: Orphanet 100984, MedGen C2931355, MONDO:0008437, OMIM 182600.

Submission:

Labcorp Genetics (formerly Invitae), Labcorp
Classification: Pathogenic for Hereditary spastic paraplegia 3A. Last evaluated: 2024-08-27. Review status: criteria provided, single submitter. Criteria: Invitae Variant Classification Sherloc (09022015). Collection method: clinical testing. Allele origin: germline.
Comment: This sequence change creates a premature translational stop signal (p.Tyr19*) in the ATL1 gene. It is expected to result in an absent or disrupted protein product. Loss-of-function variants in ATL1 are known to be pathogenic (PMID: 26888483). This variant is not present in population databases (gnomAD no frequency). This variant has not been reported in the literature in individuals affected with ATL1-related conditions. For these reasons, this variant has been classified as Pathogenic.

Literature cited by the submitters: PubMed 26888483.